The following is an entry in ClinVar:

ClinVar aggregate classification (germline): Uncertain significance. Review status: criteria provided, multiple submitters, no conflicts (2 of 4 stars). 2 submissions from 2 submitters: Uncertain significance (2). Last evaluated 2024-05-15.

Conditions:
Inborn genetic diseases. Identifiers: MedGen C0950123, MeSH D030342.

Allele frequency attached by ClinVar (database versions not stated): gnomAD exomes below 0.00001; gnomAD 0.00001.
gnomAD v4.1: 2 of 1,611,944 alleles (0.00012%); highest among the groups gnomAD compares: Admixed American, 0.0033%; no homozygotes.

Submissions (2):

Ambry Genetics
Classification: Uncertain significance for Inborn genetic diseases. Last evaluated: 2024-05-15. Review status: criteria provided, single submitter. Criteria: Ambry Variant Classification Scheme 2023. Collection method: clinical testing. Allele origin: germline.

Labcorp Genetics (formerly Invitae), Labcorp
Classification: Uncertain significance. Last evaluated: 2023-06-10. Review status: criteria provided, single submitter. Criteria: Invitae Variant Classification Sherloc (09022015). Collection method: clinical testing. Allele origin: germline.
Comment: ClinVar contains an entry for this variant (Variation ID: 1938452). This sequence change replaces threonine, which is neutral and polar, with serine, which is neutral and polar, at codon 1234 of the RAI1 protein (p.Thr1234Ser). This variant is not present in population databases (gnomAD no frequency). This variant has not been reported in the literature in individuals affected with RAI1-related conditions. Advanced modeling of protein sequence and biophysical properties (such as structural, functional, and spatial information, amino acid conservation, physicochemical variation, residue mobility, and thermodynamic stability) performed at Invitae indicates that this missense variant is not expected to disrupt RAI1 protein function. In summary, the available evidence is currently insufficient to determine the role of this variant in disease. Therefore, it has been classified as a Variant of Uncertain Significance.

NM_030665.4(RAI1):c.3700A>T (p.Thr1234Ser)

Gene: RAI1 (retinoic acid induced 1; plus strand). Cytogenetic location: 17p11.2.
Variant type: single nucleotide variant.
Coding change: c.3700A>T on transcript NM_030665.4 (MANE Select); coding-DNA position 3700, A replaced by T.
Protein change: p.Thr1234Ser; replaces threonine 1234 with serine.
Molecular consequence: missense variant.
Genome position (GRCh38, 1-based): chr17:17,796,648, A>T. VCF-style: chr17-17796648-A-T. GRCh37 (hg19) VCF-style: chr17-17699962-A-T.
Other names: c.3700A>T (NM_030665.3); short protein forms T1234S.
Identifiers: ClinVar variation 1938452 (VCV001938452.6), dbSNP rs2032263784, ClinGen allele CA398554753.